The following is an entry in ClinVar:

ClinVar aggregate classification (germline): Uncertain significance (1 of 4 stars; one submission).

Allele frequency attached by ClinVar (database versions not stated): ExAC 0.00002; gnomAD exomes 0.00002; gnomAD 0.00003; TOPMed 0.00003; ESP Exome Variant Server 0.00008.
gnomAD v4.1: 33 of 1,613,700 alleles (0.002%); highest among the groups gnomAD compares: African/African-American, 0.004%; no homozygotes.

Submission:

Labcorp Genetics (formerly Invitae), Labcorp
Classification: Uncertain significance. Last evaluated: 2025-08-09. Review status: criteria provided, single submitter. Criteria: Invitae Variant Classification Sherloc (09022015). Collection method: clinical testing. Allele origin: germline.
Comment: This sequence change replaces valine, which is neutral and non-polar, with isoleucine, which is neutral and non-polar, at codon 1091 of the HMCN1 protein (p.Val1091Ile). This variant is present in population databases (rs140294564, gnomAD 0.004%). This variant has not been reported in the literature in individuals affected with HMCN1-related conditions. ClinVar contains an entry for this variant (Variation ID: 2177315). An algorithm developed to predict the effect of missense changes on protein structure and function (PolyPhen-2) suggests that this variant is likely to be tolerated. In summary, the available evidence is currently insufficient to determine the role of this variant in disease. Therefore, it has been classified as a Variant of Uncertain Significance.

NM_031935.3(HMCN1):c.3271G>A (p.Val1091Ile)

Gene: HMCN1 (hemicentin 1; plus strand). Cytogenetic location: 1q31.1.
Variant type: single nucleotide variant.
Coding change: c.3271G>A on transcript NM_031935.3 (MANE Select); coding-DNA position 3271, G replaced by A.
Protein change: p.Val1091Ile; replaces valine 1091 with isoleucine.
Molecular consequence: missense variant.
Genome position (GRCh38, 1-based): chr1:185,990,337, G>A. VCF-style: chr1-185990337-G-A. GRCh37 (hg19) VCF-style: chr1-185959469-G-A.
Other names: short protein forms V1091I.
Identifiers: ClinVar variation 2177315 (VCV002177315.4), dbSNP rs140294564, ClinGen allele CA1291665.